The following is an entry in ClinVar:

NM_006218.4(PIK3CA):c.303_305del (p.Ile102del)

Gene: PIK3CA (phosphatidylinositol-4,5-bisphosphate 3-kinase catalytic subunit alpha; plus strand). Cytogenetic location: 3q26.32.
Variant type: Deletion.
Coding change: c.303_305del on transcript NM_006218.4 (MANE Select); coding-DNA positions 303 to 305, 3 bases deleted (AAT; older notation c.303_305delAAT).
Protein change: p.Ile102del; deletes isoleucine 102.
Genome position (GRCh38, 1-based): chr3:179,199,128-179,199,130, AAT deleted; deleting any 3 consecutive bases within chr3:179,199,127-179,199,130 gives the same sequence; the c. name uses the placement nearest the transcript's 3' end. VCF-style (leftmost placement, unchanged base first): chr3-179199126-GTAA-G. GRCh37 (hg19) VCF-style: chr3-178916914-GTAA-G.
Other names: short protein forms I102del.
Identifiers: ClinVar variation 4530374 (VCV004530374.1).

ClinVar aggregate classification (somatic clinical impact): Tier I - Strong (1 of 4 stars; one submission).

Conditions:
Medulloblastoma WNT activated. Identifiers: MedGen C4331965, MONDO:0850196.

Submission:

Institute for Genomic Medicine (IGM) Clinical Laboratory, Nationwide Children's Hospital
Classification: Tier I - Strong for Medulloblastoma WNT activated. Assertion type: diagnostic. Clinical significance: supports diagnosis. Last evaluated: 2025-04-11. Review status: criteria provided, single submitter. Criteria: AMP/ASCO/CAP Guidelines, 2017. Collection method: clinical testing. Allele origin: somatic. Affected: yes.
Comment: Variant has Tier I (strong) clinical significance as a diagnostic inclusion criterion in medulloblastoma WNT activated, based on the following evidence: 1) Documented in one or more cancer databases (e.g., St. Jude Pecan, COSMIC, CIViC, OncoKB). 2) Appears in one or more well-established professional guidelines (e.g., World Health Organization [WHO]; National Comprehensive Cancer Network [NCCN]) as providing diagnostic, prognostic, or therapeutic information. 3) Information in the literature supports potential biologic effect of variant (PMIDs: 34779417, 29533785). 4) Diagnostic for a specific tumor type/classification based on well-powered studies with expert-level consensus (Evidence Level B; PMIDs: 28726821, 22722829).

Literature cited by the submitters: PubMed 34779417; PubMed 29533785; PubMed 28726821; PubMed 22722829.